The following is an entry in ClinVar:

NC_000007.14:g.156796109A>G

Genes: LMBR1 (limb development membrane protein 1; minus strand), SHH (sonic hedgehog signaling molecule; minus strand). Cytogenetic location: 7q36.3.
Variant type: single nucleotide variant.
Molecular consequence: intron variant (on NM_022458.4).
Genome position: GRCh38 VCF-style: chr7-156796109-A-G. GRCh37 (hg19) VCF-style: chr7-156588803-A-G.
Other names: c.360+280T>C (NM_001363412.2); c.144+280T>C (NM_001350954.2); c.423+280T>C (NM_001363410.2, NM_022458.4, NM_001363409.2 and 1 more transcripts); c.-112+280T>C (NM_001350958.2, NM_001350956.2, NM_001350955.2 and 1 more transcripts); c.54+280T>C (NM_001350957.2, NM_001363411.2).
Identifiers: ClinVar variation 2842192 (VCV002842192.3), dbSNP rs2536195559, ClinGen allele CA2739277995.

ClinVar aggregate classification (germline): Uncertain significance (1 of 4 stars; one submission).

Conditions:
Holoprosencephaly 3 (HPE3). Identifiers: Orphanet 2162, MedGen C1840529, MONDO:0007733, OMIM 142945.

Submission:

Labcorp Genetics (formerly Invitae), Labcorp
Classification: Uncertain significance for Holoprosencephaly 3. Last evaluated: 2023-04-15. Review status: criteria provided, single submitter. Criteria: Invitae Variant Classification Sherloc (09022015). Collection method: clinical testing. Allele origin: germline.
Comment: In summary, the available evidence is currently insufficient to determine the role of this variant in disease. Therefore, it has been classified as a Variant of Uncertain Significance. This variant occurs in a non-coding region of the SHH gene. It does not change the encoded amino acid sequence of the SHH protein. This variant is not present in population databases (gnomAD no frequency). This variant has not been reported in the literature in individuals affected with SHH-related conditions. Experimental studies and prediction algorithms are not available or were not evaluated, and the functional significance of this variant is currently unknown.